The following is an entry in ClinVar:

NM_006922.4(SCN3A):c.76G>A (p.Glu26Lys)

Gene: SCN3A (sodium voltage-gated channel alpha subunit 3; minus strand). Cytogenetic location: 2q24.3.
Variant type: single nucleotide variant.
Coding change: c.76G>A on transcript NM_006922.4 (MANE Select); coding-DNA position 76, G replaced by A.
Protein change: p.Glu26Lys; replaces glutamic acid 26 with lysine.
Molecular consequence: missense variant.
Genome position (GRCh38, 1-based): chr2:165,176,319, C>T on the plus strand (G>A on the coding strand, the complement: SCN3A is on the minus strand). VCF-style: chr2-165176319-C-T. GRCh37 (hg19) VCF-style: chr2-166032829-C-T.
Other names: c.76G>A, p.Glu26Lys (NM_001081676.2, NM_001081677.2); c.76G>A (NM_006922.3); short protein forms E26K.
Identifiers: ClinVar variation 1002554 (VCV001002554.7), dbSNP rs141705204, ClinGen allele CA1939504.

ClinVar aggregate classification (germline): Uncertain significance. Review status: criteria provided, multiple submitters, no conflicts (2 of 4 stars). 2 submissions from 2 submitters: Uncertain significance (2). Last evaluated 2025-08-26.

Conditions:
Inborn genetic diseases. Identifiers: MedGen C0950123, MeSH D030342.

Allele frequency attached by ClinVar (database versions not stated): gnomAD exomes 0.00002; TOPMed 0.00002; ExAC 0.00003; gnomAD 0.00003 and 0.00004; ESP Exome Variant Server 0.00008.
gnomAD v4.1: 15 of 1,613,870 alleles (0.00093%); highest among the groups gnomAD compares: Admixed American, 0.0083%; no homozygotes.

Submissions (2):

Labcorp Genetics (formerly Invitae), Labcorp
Classification: Uncertain significance. Last evaluated: 2025-08-26. Review status: criteria provided, single submitter. Criteria: Invitae Variant Classification Sherloc (09022015). Collection method: clinical testing. Allele origin: germline.
Comment: This sequence change replaces glutamic acid, which is acidic and polar, with lysine, which is basic and polar, at codon 26 of the SCN3A protein (p.Glu26Lys). This variant is present in population databases (rs141705204, gnomAD 0.009%). This missense change has been observed in individual(s) with clinical features of SCN3A-related conditions (internal data). ClinVar contains an entry for this variant (Variation ID: 1002554). Invitae Evidence Modeling of protein sequence and biophysical properties (such as structural, functional, and spatial information, amino acid conservation, physicochemical variation, residue mobility, and thermodynamic stability) has been performed for this missense variant. However, the output from this modeling did not meet the statistical confidence thresholds required to predict the impact of this variant on SCN3A protein function. In summary, the available evidence is currently insufficient to determine the role of this variant in disease. Therefore, it has been classified as a Variant of Uncertain Significance.

Ambry Genetics
Classification: Uncertain significance for Inborn genetic diseases. Last evaluated: 2022-01-27. Review status: criteria provided, single submitter. Criteria: Ambry Variant Classification Scheme 2023. Collection method: clinical testing. Allele origin: germline.